The following is an entry in ClinVar:

NM_182641.4(BPTF):c.974C>T (p.Thr325Met)

Gene: BPTF (bromodomain PHD finger transcription factor; plus strand). Cytogenetic location: 17q24.2.
Variant type: single nucleotide variant.
Coding change: c.974C>T on transcript NM_182641.4 (MANE Select); coding-DNA position 974, C replaced by T.
Protein change: p.Thr325Met; replaces threonine 325 with methionine.
Molecular consequence: missense variant.
Genome position (GRCh38, 1-based): chr17:67,854,300, C>T. VCF-style: chr17-67854300-C-T. GRCh37 (hg19) VCF-style: chr17-65850416-C-T.
Other names: c.974C>T, p.Thr325Met (NM_001439139.1, NM_001439140.1, NM_001439141.1 and 4 more transcripts); short protein forms T325M.
Identifiers: ClinVar variation 4886036 (VCV004886036.3).

ClinVar aggregate classification (germline): Uncertain significance. Review status: criteria provided, multiple submitters, no conflicts (2 of 4 stars). 2 submissions from 2 submitters: Uncertain significance (2). Last evaluated 2024-11-29.

gnomAD v4.1: 3 of 1,614,126 alleles (0.00019%); highest among the groups gnomAD compares: Admixed American, 0.0017%; no homozygotes.

Submissions (2):

Dasa
Classification: Uncertain significance. Last evaluated: 2024-11-29. Review status: criteria provided, single submitter. Criteria: DASA Assertion Criteria. Collection method: clinical testing. Allele origin: germline.
Comment: NM_182641.4(BPTF):c.974C>T (p.Thr325Met) is a missense variant that results in the substitution of threonine with methionine. This variant is rare in population databases. Computational prediction algorithms are consistent with a deleterious effect. The currently available literature and clinical evidence are not sufficient to establish a definitive association between this variant and the reported condition. Therefore, this variant is classified as a variant of uncertain significance.

Blueprint Genetics
Classification: Uncertain significance. Last evaluated: 2020-10-05. Review status: criteria provided, single submitter. Criteria: ACMG Guidelines, 2015. Collection method: clinical testing. Allele origin: germline.